The following is an entry in ClinVar:

NM_000234.3(LIG1):c.2439+19G>A

Gene: LIG1 (DNA ligase 1; minus strand). Cytogenetic location: 19q13.33.
Variant type: single nucleotide variant.
Coding change: c.2439+19G>A on transcript NM_000234.3 (MANE Select); 19 bases into the intron after coding-DNA position 2439, G replaced by A.
Molecular consequence: intron variant.
Genome position (GRCh38, 1-based): chr19:48,119,118, C>T on the plus strand (G>A on the coding strand, the complement: LIG1 is on the minus strand). VCF-style: chr19-48119118-C-T. GRCh37 (hg19) VCF-style: chr19-48622375-C-T.
Other names: c.2346+19G>A (NM_001289063.2); c.2349+19G>A (NM_001320971.2); c.2235+19G>A (NM_001289064.2); c.2436+19G>A (NM_001320970.2).
Identifiers: ClinVar variation 1165040 (VCV001165040.13), dbSNP rs3729512, ClinGen allele CA9546411.

ClinVar aggregate classification (germline): Benign. Review status: criteria provided, multiple submitters, no conflicts (2 of 4 stars). 3 submissions from 3 submitters: Benign (3). Last evaluated 2026-02-02.

Allele frequency attached by ClinVar (database versions not stated): gnomAD exomes 0.11214; ExAC 0.14084; gnomAD 0.15221 and 0.15533; 1000 Genomes Project 0.15775; ESP Exome Variant Server 0.15248; TOPMed 0.16037; 1000 Genomes Project 30x 0.16131.
gnomAD v4.1: 185,716 of 1,562,666 alleles (12%); highest among the groups gnomAD compares: African/African-American, 26%; 12,044 homozygotes.

Submissions (3):

Labcorp Genetics (formerly Invitae), Labcorp
Classification: Benign. Last evaluated: 2026-02-02. Review status: criteria provided, single submitter. Criteria: Invitae Variant Classification Sherloc (09022015). Collection method: clinical testing. Allele origin: germline.

Unidad de Genómica Garrahan, Hospital de Pediatría Garrahan
Classification: Benign. Last evaluated: 2023-11-12. Review status: criteria provided, single submitter. Criteria: ACMG Guidelines, 2015. Collection method: clinical testing. Allele origin: germline. Affected: no. Observed: 21 variant alleles.
Comment: This variant is classified as Benign based on local population frequency. This variant was detected in 22% of patients studied by a panel of primary immunodeficiencies. Number of patients: 21. Only high quality variants are reported.

Breakthrough Genomics
Classification: Benign. Review status: criteria provided, single submitter. Criteria: ACMG Guidelines, 2015. Collection method: not provided. Allele origin: germline. Inheritance: Autosomal recessive inheritance. Affected: yes.